The following is an entry in ClinVar:

ClinVar aggregate classification (germline): Conflicting classifications of pathogenicity. Review status: criteria provided, conflicting classifications (1 of 4 stars). 7 submissions from 7 submitters: Uncertain significance (5); Likely benign (2). Last evaluated 2026-02-02.

Conditions:
Cardiovascular phenotype. Identifiers: MedGen CN230736.
Arrhythmogenic right ventricular dysplasia 12. Also called: ARRHYTHMOGENIC RIGHT VENTRICULAR DYSPLASIA, FAMILIAL, 12. Identifiers: MedGen C1969081, MONDO:0012684, OMIM 611528.
Naxos disease (NXD). Also called: KERATOSIS PALMOPLANTARIS WITH ARRHYTHMOGENIC CARDIOMYOPATHY; MAL DE NAXOS; PALMOPLANTAR KERATODERMA WITH ARRHYTHMOGENIC RIGHT VENTRICULAR CARDIOMYOPATHY AND WOOLLY HAIR; WOOLLY HAIR, PALMOPLANTAR KERATODERMA, AND CARDIAC ABNORMALITIES; CARDIOMYOPATHY, ARRHYTHMOGENIC RIGHT VENTRICULAR, WITH SKIN, HAIR, AND NAIL ABNORMALITIES. Identifiers: Orphanet 34217, MedGen C1832600, MONDO:0011017, OMIM 601214.
Cardiomyopathy (CMYO). Also called: Cardiomyopathies. Identifiers: Orphanet 167848, MedGen C0878544, MONDO:0004994, HP:0001638. Inheritance: Various modes of inheritance.

Allele frequency attached by ClinVar (database versions not stated): gnomAD exomes 0.00002 and 0.00006; ESP Exome Variant Server 0.00008; ExAC 0.00010; 1000 Genomes Project 30x 0.00016; gnomAD 0.00018; 1000 Genomes Project 0.00020; TOPMed 0.00022.
gnomAD v4.1: 61 of 1,611,624 alleles (0.0038%); highest among the groups gnomAD compares: African/African-American, 0.053%; no homozygotes.

Submissions (7):

Labcorp Genetics (formerly Invitae), Labcorp
Classification: Likely benign for Arrhythmogenic right ventricular dysplasia 12; Naxos disease. Last evaluated: 2026-02-02. Review status: criteria provided, single submitter. Criteria: Invitae Variant Classification Sherloc (09022015). Collection method: clinical testing. Allele origin: germline.

Molecular Diagnostic Laboratory for Inherited Cardiovascular Disease, Montreal Heart Institute
Classification: Uncertain significance for Cardiovascular phenotype. Last evaluated: 2025-04-09. Review status: criteria provided, single submitter. Criteria: ACMG Guidelines, 2015. Collection method: clinical testing. Allele origin: germline. Affected: yes.

GeneDx
Classification: Uncertain significance. Last evaluated: 2024-02-12. Review status: criteria provided, single submitter. Criteria: GeneDx Variant Classification Process June 2021. Collection method: clinical testing. Allele origin: germline. Affected: yes.
Comment: Identified in a patient with HCM in published literature (PMID: 30847666); In silico analysis supports that this missense variant does not alter protein structure/function; This variant is associated with the following publications: (PMID: 30847666)

Fulgent Genetics
Classification: Uncertain significance for Naxos disease; Arrhythmogenic right ventricular dysplasia 12. Last evaluated: 2021-07-23. Review status: criteria provided, single submitter. Criteria: ACMG Guidelines, 2015. Collection method: clinical testing. Allele origin: unknown.

Ambry Genetics
Classification: Likely benign for Cardiovascular phenotype. Last evaluated: 2021-07-19. Review status: criteria provided, single submitter. Criteria: Ambry Variant Classification Scheme 2023. Collection method: clinical testing. Allele origin: germline.

CHEO Genetics Diagnostic Laboratory, Children's Hospital of Eastern Ontario
Classification: Uncertain significance for Cardiomyopathy. Last evaluated: 2017-06-22. Review status: criteria provided, single submitter. Criteria: ACMG Guidelines, 2015. Collection method: clinical testing. Allele origin: germline. Study: Canadian Open Genetics Repository.

Laboratory for Molecular Medicine, Mass General Brigham Personalized Medicine
Classification: Uncertain significance. Last evaluated: 2015-05-27. Review status: criteria provided, single submitter. Criteria: LMM Criteria. Collection method: clinical testing. Allele origin: germline. Observed: 1 variant allele.
Comment: Variant classified as Uncertain Significance - Favor Benign. The p.Val528Ile var iant in JUP has not been previously reported in individuals with cardiomyopathy, but has been identified in 0.1% (6/7780) African chromosomes by the Exome Aggre gation Consortium (ExAC; dbSNP rs368271628). Val ine (Val) at position 528 is conserved in mammals but not in evolutionarily dist ant species and 5 fish species carry an isoleucine (Ile), supporting that this c hange may be tolerated. Additional computational prediction tools suggest that t his variant may not impact the protein, though this information is not predictiv e enough to rule out pathogenicity. In summary, while the clinical significance of the p.Val528Ile variant is uncertain, these data suggest that it is more like ly to be benign.

Literature cited by the submitters: PubMed 30847666 (cited by Ambry Genetics).

NM_002230.4(JUP):c.1582G>A (p.Val528Ile)

Gene: JUP (junction plakoglobin; minus strand). Cytogenetic location: 17q21.2.
Variant type: single nucleotide variant.
Coding change: c.1582G>A on transcript NM_002230.4 (MANE Select); coding-DNA position 1582, G replaced by A.
Protein change: p.Val528Ile; replaces valine 528 with isoleucine.
Molecular consequence: missense variant.
Genome position (GRCh38, 1-based): chr17:41,758,786, C>T on the plus strand (G>A on the coding strand, the complement: JUP is on the minus strand). VCF-style: chr17-41758786-C-T. GRCh37 (hg19) VCF-style: chr17-39915038-C-T.
Other names: p.V528I:GTC>ATC; c.1582G>A (NM_002230.3); c.1582G>A, p.Val528Ile (NM_001352773.2, NM_001352774.2, NM_001352775.2 and 3 more transcripts); short protein forms V528I.
Identifiers: ClinVar variation 201825 (VCV000201825.23), dbSNP rs368271628, ClinGen allele CA308536.